The following is an entry in ClinVar:

ClinVar aggregate classification (germline): Pathogenic (1 of 4 stars; one submission).

Conditions:
Microcephaly, normal intelligence and immunodeficiency (NBS). Also called: IMMUNODEFICIENCY, MICROCEPHALY, AND CHROMOSOMAL INSTABILITY; SEEMANOVA SYNDROME II; Nijmegen breakage syndrome; Microcephaly with normal intelligence immunodeficiency and lymphoreticular malignancies; Nonsyndromal microcephaly autosomal recessive with normal intelligence; Seemanova syndrome 2. Identifiers: Orphanet 647, MedGen C0398791, MONDO:0009623, OMIM 251260.

Submission:

Myriad Genetics, Inc.
Classification: Pathogenic for Microcephaly, normal intelligence and immunodeficiency. Last evaluated: 2026-04-11. Review status: criteria provided, single submitter. Criteria: Myriad Autosomal Dominant, Autosomal Recessive and X-Linked Classification Criteria (2023). Collection method: clinical testing. Allele origin: unknown.
Comment: NM_002485.4(NBN):c.399delG(L133Ffs*8) is expected to be pathogenic in the context of Nijmegen breakage syndrome. This variant is predicted to lead to an abnormal or absent protein product due to the creation of a premature termination codon in NBN, a gene where loss-of-function variants are known to be pathogenic. Please note: this variant was assessed in the context of healthy population screening.

NM_002485.5(NBN):c.399del (p.Leu133fs)

Gene: NBN (nibrin; minus strand). Cytogenetic location: 8q21.3.
Variant type: Deletion.
Coding change: c.399del on transcript NM_002485.5 (MANE Select); coding-DNA position 399, one base deleted (G; older notation c.399delG).
Protein change: p.Leu133fs; shifts the reading frame from leucine 133.
Molecular consequence: frameshift variant.
Genome position (GRCh38, 1-based): chr8:89,980,815, C deleted on the plus strand (G on the coding strand, the reverse complement: NBN is on the minus strand). VCF-style (leftmost placement, unchanged base first): chr8-89980814-GC-G. GRCh37 (hg19) VCF-style: chr8-90993042-GC-G.
Other names: c.153del, p.Leu51fs (NM_001024688.3, NM_001440379.1, NM_001440380.1); short protein forms L133fs, L51fs.
Identifiers: ClinVar variation 5015795 (VCV005015795.1).